The following is an entry in ClinVar:

ClinVar aggregate classification (germline): Pathogenic (1 of 4 stars; one submission).

Conditions:
Aortic valve disease 2 (AOVD2). Identifiers: MedGen C3542024, MONDO:0013902, OMIM 614823.

Submission:

Labcorp Genetics (formerly Invitae), Labcorp
Classification: Pathogenic for Aortic valve disease 2. Last evaluated: 2025-12-15. Review status: criteria provided, single submitter. Criteria: Invitae Variant Classification Sherloc (09022015). Collection method: clinical testing. Allele origin: germline.
Comment: This sequence change creates a premature translational stop signal (p.Glu35*) in the SMAD6 gene. It is expected to result in an absent or disrupted protein product. Loss-of-function variants in SMAD6 are known to be pathogenic (PMID: 28659821, 31138930, 32499606, 34953066). The frequency data for this variant in the population databases is considered unreliable, as metrics indicate poor data quality at this position in the gnomAD database. This variant has not been reported in the literature in individuals affected with SMAD6-related conditions. For these reasons, this variant has been classified as Pathogenic.

Literature cited by the submitters: PubMed 28659821; PubMed 31138930; PubMed 32499606; PubMed 34953066.

NM_005585.5(SMAD6):c.103G>T (p.Glu35Ter)

Gene: SMAD6 (SMAD family member 6; plus strand). Cytogenetic location: 15q22.31.
Variant type: single nucleotide variant.
Coding change: c.103G>T on transcript NM_005585.5 (MANE Select); coding-DNA position 103, G replaced by T.
Protein change: p.Glu35Ter; replaces glutamic acid 35 with a stop codon.
Molecular consequence: nonsense. On other transcripts: non-coding transcript variant (1).
Genome position (GRCh38, 1-based): chr15:66,703,361, G>T. VCF-style: chr15-66703361-G-T. GRCh37 (hg19) VCF-style: chr15-66995699-G-T.
Other names: short protein forms E35*.
Identifiers: ClinVar variation 4733256 (VCV004733256.1).